The following is an entry in ClinVar:

NM_001723.7(DST):c.4067A>C (p.His1356Pro)

Gene: DST (dystonin; minus strand). Cytogenetic location: 6p12.1.
Variant type: single nucleotide variant.
Coding change: c.4067A>C on transcript NM_001723.7 (MANE Plus Clinical); coding-DNA position 4067, A replaced by C.
Protein change: p.His1356Pro; replaces histidine 1356 with proline.
Molecular consequence: missense variant. On other transcripts: intron variant (10).
Genome position (GRCh38, 1-based): chr6:56,619,967, T>G on the plus strand (A>C on the coding strand, the complement: DST is on the minus strand). VCF-style: chr6-56619967-T-G. GRCh37 (hg19) VCF-style: chr6-56484765-T-G.
Other names: c.4830+4563A>C (NM_001144769.5); c.4929+4563A>C (NM_001374722.1, NM_001374736.1); c.4956+4563A>C (NM_001374734.1); c.4416+4563A>C (NM_001144770.2); c.4296+4563A>C (NM_001374730.1, NM_001386100.1, NM_183380.4 and 1 more transcripts); c.3318+4563A>C (NM_015548.5); short protein forms H1356P.
Identifiers: ClinVar variation 1465580 (VCV001465580.8), dbSNP rs200382338, ClinGen allele CA364570500.
Genomic context (GRCh38, chr6:56,619,967, plus strand): 5'-CTATTGGCAGCTGTTAGTTCATCTACCTGCTGTTTGAGTTCTTCTGCTTTCTGCTTGTCA[T>G]GTTCTTGCTGGAGACCCGTTACTGCCCTGCATGATGTAGCCTGTGTGATCGGACACACTG-3'
Protein context (NP_001714.1, residues 1346-1366): CRAVTGLQQE[His1356Pro]DKQKAEELKQ

ClinVar aggregate classification (germline): Uncertain significance (1 of 4 stars; one submission).

Conditions:
Hereditary sensory and autonomic neuropathy type 6. Also called: Neuropathy, hereditary sensory and autonomic, type VI; HSAN VI. Identifiers: Orphanet 314381, MedGen C3539003, MONDO:0013839, OMIM 614653.
Epidermolysis bullosa simplex 3, localized or generalized intermediate, with BP230 deficiency (EBS3). Also called: Epidermolysis bullosa simplex due to BP230 deficiency; Epidermolysis bullosa simplex, autosomal recessive 2. Identifiers: Orphanet 412181, MedGen C3809470, MONDO:0014180, OMIM 615425.

gnomAD v4.1: 1 of 1,614,148 alleles (0.000062%); highest among the groups gnomAD compares: Non-Finnish European, 0.000085%; no homozygotes.

Submission:

Labcorp Genetics (formerly Invitae), Labcorp
Classification: Uncertain significance for Epidermolysis bullosa simplex 3, localized or generalized intermediate, with BP230 deficiency; Hereditary sensory and autonomic neuropathy type 6. Last evaluated: 2020-10-30. Review status: criteria provided, single submitter. Criteria: Invitae Variant Classification Sherloc (09022015). Collection method: clinical testing. Allele origin: germline.
Comment: This sequence change replaces histidine with proline at codon 1356 of the DST protein (p.His1356Pro). The histidine residue is weakly conserved and there is a moderate physicochemical difference between histidine and proline. This variant is not present in population databases (ExAC no frequency). This variant has not been reported in the literature in individuals with DST-related conditions. Algorithms developed to predict the effect of missense changes on protein structure and function are either unavailable or do not agree on the potential impact of this missense change (SIFT: "Deleterious"; PolyPhen-2: "Benign"; Align-GVGD: "Class C0"). In summary, the available evidence is currently insufficient to determine the role of this variant in disease. Therefore, it has been classified as a Variant of Uncertain Significance.